The following is an entry in ClinVar:

ClinVar aggregate classification (germline): Likely benign. Review status: criteria provided, multiple submitters, no conflicts (2 of 4 stars). 2 submissions from 2 submitters: Likely benign (2). Last evaluated 2026-06-15.

Conditions:
Gastrointestinal stromal tumor. Also called: Gastrointestinal stromal tumor, somatic; Gastrointestinal stroma tumor. Identifiers: Orphanet 44890, MedGen C0238198, MeSH D046152, MONDO:0011719, OMIM 606764, HP:0100723.
Polyps, multiple and recurrent inflammatory fibroid, gastrointestinal. Identifiers: MedGen C5193005, MONDO:0008285, OMIM 175510.

Allele frequency attached by ClinVar (database versions not stated): gnomAD exomes below 0.00001.
gnomAD v4.1: 1 of 1,611,476 alleles (0.000062%); highest among the groups gnomAD compares: Non-Finnish European, 0.000085%; no homozygotes.

Submissions (2):

Myriad Genetics, Inc.
Classification: Likely benign for Polyps, multiple and recurrent inflammatory fibroid, gastrointestinal. Last evaluated: 2026-06-15. Review status: criteria provided, single submitter. Criteria: Myriad Autosomal Dominant, Autosomal Recessive and X-Linked Classification Criteria (2023). Collection method: clinical testing. Allele origin: unknown.
Comment: This variant is considered likely benign. This variant is intronic and is not expected to impact mRNA splicing.

Labcorp Genetics (formerly Invitae), Labcorp
Classification: Likely benign for Gastrointestinal stromal tumor. Last evaluated: 2022-10-29. Review status: criteria provided, single submitter. Criteria: Invitae Variant Classification Sherloc (09022015). Collection method: clinical testing. Allele origin: germline.

NM_006206.6(PDGFRA):c.2157-18C>T

Gene: PDGFRA (platelet derived growth factor receptor alpha; plus strand). Cytogenetic location: 4q12.
Variant type: single nucleotide variant.
Coding change: c.2157-18C>T on transcript NM_006206.6 (MANE Select); 18 bases into the intron before coding-DNA position 2157, C replaced by T.
Molecular consequence: intron variant.
Genome position (GRCh38, 1-based): chr4:54,280,298, C>T. VCF-style: chr4-54280298-C-T. GRCh37 (hg19) VCF-style: chr4-55146465-C-T.
Other names: c.2232-18C>T (NM_001347828.2); c.2157-18C>T (NM_001347827.2, NM_001347829.2); c.2196-18C>T (NM_001347830.2).
Identifiers: ClinVar variation 2718525 (VCV002718525.4), dbSNP rs2110323021, ClinGen allele CA2670658055.
Genomic context (GRCh38, chr4:54,280,298, plus strand): 5'-ATAATCATCATCTACTGAAAGTGGAATGACCACTTCAGAAGGGCACCCTGGGTAAGATTT[C>T]TCTTTCTGTTTTTACAGCTATGTTATTTTATCTTTTGAAAACAATGGTGACTACATGGAC-3'